The following is an entry in ClinVar:

ClinVar aggregate classification (germline): Pathogenic (1 of 4 stars; one submission).

Conditions:
Autosomal recessive limb-girdle muscular dystrophy type 2A (LGMDR1). Also called: MUSCULAR DYSTROPHY, PELVOFEMORAL; Limb-girdle muscular dystrophy, type 2A; Muscular dystrophy, limb-girdle, type 2A, Amish; Calpainopathy; LEYDEN-MOEBIUS MUSCULAR DYSTROPHY. Identifiers: Orphanet 267, MedGen C1869123, MONDO:0009675, OMIM 253600. Disease mechanism: loss of function.

Allele frequency attached by ClinVar (database versions not stated): TOPMed below 0.00001; gnomAD exomes 0.00001 and 0.00002; ExAC 0.00004.
gnomAD v4.1: 19 of 1,611,698 alleles (0.0012%); highest among the groups gnomAD compares: Non-Finnish European, 0.00093%; no homozygotes.

Submission:

Labcorp Genetics (formerly Invitae), Labcorp
Classification: Pathogenic for Autosomal recessive limb-girdle muscular dystrophy type 2A. Last evaluated: 2023-09-11. Review status: criteria provided, single submitter. Criteria: Invitae Variant Classification Sherloc (09022015). Collection method: clinical testing. Allele origin: germline.
Comment: For these reasons, this variant has been classified as Pathogenic. Algorithms developed to predict the effect of sequence changes on RNA splicing suggest that this variant may disrupt the consensus splice site. ClinVar contains an entry for this variant (Variation ID: 1398928). This variant is also known as IVS15+2T>C. Disruption of this splice site has been observed in individual(s) with autosomal recessive limb-girdle muscular dystrophy (PMID: 15689361, 22443334). This variant is present in population databases (rs748194118, gnomAD 0.004%). This sequence change affects a donor splice site in intron 15 of the CAPN3 gene. It is expected to disrupt RNA splicing. Variants that disrupt the donor or acceptor splice site typically lead to a loss of protein function (PMID: 16199547), and loss-of-function variants in CAPN3 are known to be pathogenic (PMID: 10330340, 15689361).

Literature cited by the submitters: PubMed 15689361; PubMed 22443334; PubMed 16199547; PubMed 10330340.

NM_000070.3(CAPN3):c.1800+2T>C

Gene: CAPN3 (calpain 3; plus strand). Cytogenetic location: 15q15.1.
Variant type: single nucleotide variant.
Coding change: c.1800+2T>C on transcript NM_000070.3 (MANE Select); the canonical splice donor site of the intron after coding-DNA position 1800, T replaced by C.
Molecular consequence: splice donor variant. On other transcripts: intron variant (3).
Genome position (GRCh38, 1-based): chr15:42,405,945, T>C. VCF-style: chr15-42405945-T-C. GRCh37 (hg19) VCF-style: chr15-42698143-T-C.
Other names: c.1782+2168T>C (NM_024344.2); c.1638+2168T>C (NM_173087.2); c.264+2T>C (NM_173088.2); c.-82+2T>C (NM_173090.2); c.-82+990T>C (NM_173089.2).
Identifiers: ClinVar variation 1398928 (VCV001398928.6), dbSNP rs748194118, ClinGen allele CA7511539.